The following is an entry in ClinVar:

ClinVar aggregate classification (germline): Uncertain significance (1 of 4 stars; one submission).

Allele frequency attached by ClinVar (database versions not stated): 1000 Genomes Project 30x 0.00016; 1000 Genomes Project 0.00020; TOPMed below 0.00001.

Submission:

Labcorp Genetics (formerly Invitae), Labcorp
Classification: Uncertain significance. Last evaluated: 2022-04-18. Review status: criteria provided, single submitter. Criteria: Invitae Variant Classification Sherloc (09022015). Collection method: clinical testing. Allele origin: germline.
Comment: Algorithms developed to predict the effect of missense changes on protein structure and function are either unavailable or do not agree on the potential impact of this missense change (SIFT: "Deleterious"; PolyPhen-2: "Benign"; Align-GVGD: "Class C0"). In summary, the available evidence is currently insufficient to determine the role of this variant in disease. Therefore, it has been classified as a Variant of Uncertain Significance. This variant has not been reported in the literature in individuals affected with SLC24A1-related conditions. This variant is not present in population databases (gnomAD no frequency). This sequence change replaces glutamic acid, which is acidic and polar, with valine, which is neutral and non-polar, at codon 101 of the SLC24A1 protein (p.Glu101Val).

NM_004727.3(SLC24A1):c.302A>T (p.Glu101Val)

Gene: SLC24A1 (solute carrier family 24 member 1; plus strand). Cytogenetic location: 15q22.31.
Variant type: single nucleotide variant.
Coding change: c.302A>T on transcript NM_004727.3 (MANE Select); coding-DNA position 302, A replaced by T.
Protein change: p.Glu101Val; replaces glutamic acid 101 with valine.
Molecular consequence: missense variant.
Genome position (GRCh38, 1-based): chr15:65,624,382, A>T. VCF-style: chr15-65624382-A-T. GRCh37 (hg19) VCF-style: chr15-65916720-A-T.
Other names: c.302A>T, p.Glu101Val (NM_001301031.1, NM_001301032.1, NM_001301033.2 and 1 more transcripts); short protein forms E101V.
Identifiers: ClinVar variation 2063631 (VCV002063631.4), dbSNP rs77009162, ClinGen allele CA271587518.